The following is an entry in ClinVar:

NM_020949.3(SLC7A14):c.364T>C (p.Tyr122His)

Genes: SLC7A14 (solute carrier family 7 member 14; minus strand), SLC7A14-AS1 (SLC7A14 antisense RNA 1; plus strand). Cytogenetic location: 3q26.2.
Variant type: single nucleotide variant.
Coding change: c.364T>C on transcript NM_020949.3 (MANE Select); coding-DNA position 364, T replaced by C.
Protein change: p.Tyr122His; replaces tyrosine 122 with histidine.
Molecular consequence: missense variant.
Genome position (GRCh38, 1-based): chr3:170,501,286, A>G on the plus strand (T>C on the coding strand, the complement: SLC7A14 is on the minus strand). VCF-style: chr3-170501286-A-G. GRCh37 (hg19) VCF-style: chr3-170219075-A-G.
Other names: short protein forms Y122H.
Identifiers: ClinVar variation 1498341 (VCV001498341.8), dbSNP rs2108280788, ClinGen allele CA355517423.

ClinVar aggregate classification (germline): Uncertain significance (1 of 4 stars; one submission).

Submission:

Labcorp Genetics (formerly Invitae), Labcorp
Classification: Uncertain significance. Last evaluated: 2024-02-24. Review status: criteria provided, single submitter. Criteria: Invitae Variant Classification Sherloc (09022015). Collection method: clinical testing. Allele origin: germline.
Comment: This sequence change replaces tyrosine, which is neutral and polar, with histidine, which is basic and polar, at codon 122 of the SLC7A14 protein (p.Tyr122His). This variant is not present in population databases (gnomAD no frequency). This variant has not been reported in the literature in individuals affected with SLC7A14-related conditions. ClinVar contains an entry for this variant (Variation ID: 1498341). An algorithm developed to predict the effect of missense changes on protein structure and function (PolyPhen-2) suggests that this variant is likely to be disruptive. In summary, the available evidence is currently insufficient to determine the role of this variant in disease. Therefore, it has been classified as a Variant of Uncertain Significance.